The following is an entry in ClinVar:

ClinVar aggregate classification (germline): Uncertain significance. Review status: criteria provided, single submitter (1 of 4 stars). 2 submissions from 2 submitters: Uncertain significance (1). 1 of the submissions does not count toward it. Last evaluated 2017-04-20.

Conditions:
SUCLG1-related disorder. Also called: SUCLG1-related condition.

gnomAD v4.1: 1 of 1,614,072 alleles (0.000062%); highest among the groups gnomAD compares: Admixed American, 0.0017%; no homozygotes.

Submissions (2):

ARUP Laboratories, Molecular Genetics and Genomics, ARUP Laboratories
Classification: Uncertain significance. Last evaluated: 2017-04-20. Review status: criteria provided, single submitter. Criteria: ARUP Molecular Germline Variant Investigation Process. Collection method: clinical testing. Allele origin: germline.

PreventionGenetics, part of Exact Sciences
Classification: Likely benign for SUCLG1-related condition. Last evaluated: 2021-06-14. Review status: no assertion criteria provided. Collection method: clinical testing. Allele origin: germline. Not counted in ClinVar's aggregate classification.
Comment: This variant is classified as likely benign based on ACMG/AMP sequence variant interpretation guidelines (Richards et al. 2015 PMID: 25741868, with internal and published modifications).

NM_003849.4(SUCLG1):c.537A>G (p.Gly179=)

Gene: SUCLG1 (succinate-CoA ligase GDP/ADP-forming subunit alpha; minus strand). Cytogenetic location: 2p11.2.
Variant type: single nucleotide variant.
Coding change: c.537A>G on transcript NM_003849.4 (MANE Select); coding-DNA position 537, A replaced by G.
Protein change: p.Gly179=; no amino-acid change (glycine 179 retained).
Molecular consequence: synonymous variant.
Genome position (GRCh38, 1-based): chr2:84,441,099, T>C on the plus strand (A>G on the coding strand, the complement: SUCLG1 is on the minus strand). VCF-style: chr2-84441099-T-C. GRCh37 (hg19) VCF-style: chr2-84668223-T-C.
Other names: c.537A>G (NM_003849.3).
Identifiers: ClinVar variation 440313 (VCV000440313.10), dbSNP rs1553393580, ClinGen allele CA427441342.